The following is an entry in ClinVar:

NM_005640.3(TAF4B):c.147T>C (p.Pro49=)

Genes: TAF4B (TATA-box binding protein associated factor 4b; plus strand), LOC130062319 (ATAC-STARR-seq lymphoblastoid silent region 9371; plus strand). Cytogenetic location: 18q11.2.
Variant type: single nucleotide variant.
Coding change: c.147T>C on transcript NM_005640.3 (MANE Select); coding-DNA position 147, T replaced by C.
Protein change: p.Pro49=; no amino-acid change (proline 49 retained).
Molecular consequence: synonymous variant. On other transcripts: non-coding transcript variant (1).
Genome position (GRCh38, 1-based): chr18:26,227,080, T>C. VCF-style: chr18-26227080-T-C. GRCh37 (hg19) VCF-style: chr18-23807044-T-C.
Other names: c.147T>C, p.Pro49= (NM_001293725.2).
Identifiers: ClinVar variation 786339 (VCV000786339.6), dbSNP rs60311681, ClinGen allele CA8921454.

ClinVar aggregate classification (germline): Benign. Review status: criteria provided, multiple submitters, no conflicts (2 of 4 stars). 3 submissions from 3 submitters: Benign (2). 1 of the submissions does not count toward it. Last evaluated 2019-12-31.

Conditions:
TAF4B-related disorder. Also called: TAF4B-related condition.

Allele frequency attached by ClinVar (database versions not stated): ESP Exome Variant Server 0.00573; 1000 Genomes Project 0.00659; gnomAD 0.00678; TOPMed 0.00722; 1000 Genomes Project 30x 0.00781.
gnomAD v4.1: 2,031 of 1,606,964 alleles (0.13%); highest among the groups gnomAD compares: African/African-American, 2.4%; 24 homozygotes.

Submissions (3):

Labcorp Genetics (formerly Invitae), Labcorp
Classification: Benign. Last evaluated: 2019-12-31. Review status: criteria provided, single submitter. Criteria: Invitae Variant Classification Sherloc (09022015). Collection method: clinical testing. Allele origin: germline.

Breakthrough Genomics
Classification: Benign. Review status: criteria provided, single submitter. Criteria: ACMG Guidelines, 2015. Collection method: not provided. Allele origin: germline. Inheritance: Autosomal recessive inheritance. Affected: yes.

PreventionGenetics, part of Exact Sciences
Classification: Benign for TAF4B-related condition. Last evaluated: 2024-05-16. Review status: no assertion criteria provided. Collection method: clinical testing. Allele origin: germline. Not counted in ClinVar's aggregate classification.
Comment: This variant is classified as benign based on ACMG/AMP sequence variant interpretation guidelines (Richards et al. 2015 PMID: 25741868, with internal and published modifications).